The following is an entry in ClinVar:

NM_170707.4(LMNA):c.1804G>A (p.Gly602Ser)

Gene: LMNA (lamin A/C; plus strand). Cytogenetic location: 1q22.
Variant type: single nucleotide variant.
Coding change: c.1804G>A on transcript NM_170707.4 (MANE Select); coding-DNA position 1804, G replaced by A.
Protein change: p.Gly602Ser; replaces glycine 602 with serine.
Molecular consequence: missense variant.
Genome position (GRCh38, 1-based): chr1:156,138,593, G>A. VCF-style: chr1-156138593-G-A. GRCh37 (hg19) VCF-style: chr1-156108384-G-A.
Other names: c.1468G>A, p.Gly490Ser (NM_001257374.3); c.1804G>A, p.Gly602Ser (NM_001282626.2); c.1714G>A, p.Gly572Ser (NM_170708.4); short protein forms G572S, G602S, G490S.
Identifiers: ClinVar variation 48052 (VCV000048052.39), dbSNP rs60662302, ClinGen allele CA014839.

ClinVar aggregate classification (germline): Conflicting classifications of pathogenicity. Review status: criteria provided, conflicting classifications (1 of 4 stars). 17 submissions from 17 submitters: Uncertain significance (3); Likely benign (10). 4 of the submissions do not count toward it. Last evaluated 2026-01-22.

Conditions:
Cardiovascular phenotype. Identifiers: MedGen CN230736.
LMNA-related disorder. Also called: LMNA-related condition; LMNA-related disease; LMNA-related disorders. Identifiers: MedGen CN380145.
Charcot-Marie-Tooth disease type 2. Also called: Charcot-Marie-Tooth type 2. Identifiers: Orphanet 64746, MedGen C0270914, MONDO:0018993.
Cardiomyopathy (CMYO). Also called: Cardiomyopathies. Identifiers: Orphanet 167848, MedGen C0878544, MONDO:0004994, HP:0001638. Inheritance: Various modes of inheritance.
Insulin-resistant diabetes mellitus AND acanthosis nigricans. Also called: type A insulin resistance; DIABETES MELLITUS, INSULIN-RESISTANT, WITH ACANTHOSIS NIGRICANS, TYPE A; INSULIN RECEPTOR, DEFECT IN, WITH INSULIN-RESISTANT DIABETES MELLITUS AND ACANTHOSIS NIGRICANS; IRAN, TYPE A; Insulin-resistance syndrome type A. Identifiers: Orphanet 2297, MedGen C0342278, MONDO:0012520, OMIM 610549.
Congenital muscular dystrophy due to LMNA mutation. Also called: Congenital muscular dystrophy, LMNA-related; Lamin A-related Congenital Muscular Dystrophy. Identifiers: Orphanet 157973, MedGen C2750785, MONDO:0013178, OMIM 613205.

Allele frequency attached by ClinVar (database versions not stated): gnomAD exomes 0.00021; ExAC 0.00026; gnomAD 0.00076 and 0.00078; 1000 Genomes Project 30x 0.00078; TOPMed 0.00087; ESP Exome Variant Server 0.00092; 1000 Genomes Project 0.00100.
gnomAD v4.1: 245 of 1,612,964 alleles (0.015%); highest among the groups gnomAD compares: African/African-American, 0.27%; no homozygotes.

Submissions (17):

Labcorp Genetics (formerly Invitae), Labcorp
Classification: Likely benign for Charcot-Marie-Tooth disease type 2. Last evaluated: 2026-01-22. Review status: criteria provided, single submitter. Criteria: Invitae Variant Classification Sherloc (09022015). Collection method: clinical testing. Allele origin: germline.

Mayo Clinic Laboratories, Mayo Clinic
Classification: Likely benign. Last evaluated: 2025-07-04. Review status: criteria provided, single submitter. Criteria: ACMG Guidelines, 2015. Collection method: clinical testing. Allele origin: germline. Observed: 3 variant alleles.
Comment: BS1, BP4

Molecular Diagnostic Laboratory for Inherited Cardiovascular Disease, Montreal Heart Institute
Classification: Likely benign. Last evaluated: 2025-04-09. Review status: criteria provided, single submitter. Criteria: ACMG Guidelines, 2015. Collection method: clinical testing. Allele origin: germline. Affected: no.

Genomic Medicine Center of Excellence, King Faisal Specialist Hospital and Research Centre
Classification: Uncertain significance for Congenital muscular dystrophy due to LMNA mutation. Last evaluated: 2024-12-19. Review status: criteria provided, single submitter. Criteria: ACMG Guidelines, 2015. Collection method: clinical testing. Allele origin: germline.

Women's Health and Genetics/Laboratory Corporation of America, LabCorp
Classification: Likely benign. Last evaluated: 2024-12-02. Review status: criteria provided, single submitter. Criteria: LabCorp Variant Classification Summary - May 2015. Collection method: clinical testing. Allele origin: germline.
Comment: Variant summary: LMNA c.1804G>A (p.Gly602Ser) results in a non-conservative amino acid change in the encoded protein sequence. Four of five in-silico tools predict a benign effect of the variant on protein function. The variant allele was found at a frequency of 0.00021 in 246518 control chromosomes, predominantly at a frequency of 0.0026 within the African or African-American subpopulation in the gnomAD database. The observed variant frequency within African or African-American control individuals in the gnomAD database is approximately 10.4 fold of the estimated maximal expected allele frequency for a pathogenic variant in LMNA causing Cardiomyopathy phenotype (0.00025). c.1804G>A has been reported in the literature in an individual affected with Cardiomyopathy (Mook_2013). This variant has also been reported in individuals with insulin resistance, lipodystrophy or possibly type II diabetes without related cardiomyopathy (Young_2005, Florwick_2017, Volkening_2021) These data do not allow any conclusion about variant significance. To our knowledge, no experimental evidence demonstrating an impact on protein function has been reported. The following publications have been ascertained in the context of this evaluation (PMID: 28663758, 23785128, 33661429, 15919811). ClinVar contains an entry for this variant (Variation ID: 48052). Based on the evidence outlined above, the variant was classified as likely benign.

Blueprint Genetics
Classification: Likely benign. Last evaluated: 2024-03-19. Review status: criteria provided, single submitter. Criteria: ACMG Guidelines, 2015. Collection method: clinical testing. Allele origin: germline.

Revvity Omics, Revvity
Classification: Likely benign. Last evaluated: 2023-09-07. Review status: criteria provided, single submitter. Criteria: ACMG Guidelines, 2015. Collection method: clinical testing. Allele origin: germline.

GeneDx
Classification: Likely benign. Last evaluated: 2021-02-05. Review status: criteria provided, single submitter. Criteria: GeneDx Variant Classification Process June 2021. Collection method: clinical testing. Allele origin: germline. Affected: yes.
Comment: In silico analysis, which includes protein predictors and evolutionary conservation, supports that this variant does not alter protein structure/function; This variant is associated with the following publications: (PMID: 16218190, 25637381, 20848652, 16478798, 15919811, 23785128, 28663758)

Ambry Genetics
Classification: Likely benign for Cardiovascular phenotype. Last evaluated: 2018-11-06. Review status: criteria provided, single submitter. Criteria: Ambry Variant Classification Scheme 2023. Collection method: clinical testing. Allele origin: germline.

Color Diagnostics, LLC DBA Color Health
Classification: Likely benign for Cardiomyopathy. Last evaluated: 2018-08-27. Review status: criteria provided, single submitter. Criteria: ACMG Guidelines, 2015. Collection method: clinical testing. Allele origin: germline.

Eurofins Ntd Llc (ga)
Classification: Uncertain significance. Last evaluated: 2018-01-25. Review status: criteria provided, single submitter. Criteria: EGL Classification Definitions 2015. Collection method: clinical testing. Allele origin: germline. Observed: 5 variant alleles, 5 heterozygotes.

CSER _CC_NCGL, University of Washington
Classification: Uncertain significance for Insulin resistance syndrome, type A. Last evaluated: 2014-06-01. Review status: criteria provided, single submitter. Criteria: Amendola et al. (Genome Res. 2015). Collection method: research. Allele origin: germline. Inheritance: Autosomal dominant inheritance. Study: ESP 6500 variant annotation.
Comment: Low GERP score may suggest that this variant may belong in a lower pathogenicity class

Variants classified for the Actionable exomic incidental findings in 6503 participants: challenges of variant classification manuscript

Laboratory for Molecular Medicine, Mass General Brigham Personalized Medicine
Classification: Likely benign. Last evaluated: 2012-04-18. Review status: criteria provided, single submitter. Criteria: LMM Criteria. Collection method: clinical testing. Allele origin: germline. Observed: 1 variant allele.
Comment: The Gly602Ser variant (LMNA) has been reported in two individuals with varying c linical features (type A insulin resistance syndrome and Emery Dreifuss muscular dystrophy; Young 2005, Scharner 2011). However, this variant is not expected t o have clinical significance because glycine at position 602 is not conserved in mammals and this variant has been identified in 0.3% (11/3730) of African Ameri can chromosomes from a broad population by the NHLBI Exome Sequencing Project (dbSNP rs60662302).

PreventionGenetics, part of Exact Sciences
Classification: Likely benign for LMNA-related condition. Last evaluated: 2022-05-17. Review status: no assertion criteria provided. Collection method: clinical testing. Allele origin: germline. Not counted in ClinVar's aggregate classification.
Comment: This variant is classified as likely benign based on ACMG/AMP sequence variant interpretation guidelines (Richards et al. 2015 PMID: 25741868, with internal and published modifications).

Clinical Genetics, Academic Medical Center
Classification: Likely benign. Review status: no assertion criteria provided. Collection method: clinical testing. Allele origin: germline. Affected: yes. Study: VKGL Data-share Consensus. Not counted in ClinVar's aggregate classification.

Epithelial Biology;  Institute of Medical Biology, Singapore
No classification provided. Review status: no classification provided. Collection method: not provided. Allele origin: not provided. Not counted in ClinVar's aggregate classification.

Genome Diagnostics Laboratory, University Medical Center Utrecht
Classification: Likely benign. Review status: no assertion criteria provided. Collection method: clinical testing. Allele origin: germline. Affected: yes. Study: VKGL Data-share Consensus. Not counted in ClinVar's aggregate classification.

Literature cited by the submitters: PubMed 15919811 (cited by 4 submitters); PubMed 16218190 (cited by Mayo Clinic Laboratories, Mayo Clinic); PubMed 23785128 (cited by 3 submitters); PubMed 28663758 (cited by Mayo Clinic Laboratories, Mayo Clinic and Women's Health and Genetics/Laboratory Corporation of America, LabCorp); PubMed 33661429 (cited by Mayo Clinic Laboratories, Mayo Clinic and Women's Health and Genetics/Laboratory Corporation of America, LabCorp); PubMed 20848652 (cited by Ambry Genetics and Laboratory for Molecular Medicine, Mass General Brigham Personalized Medicine); PubMed 25637381 (cited by Ambry Genetics); PubMed 16478798 (cited by Laboratory for Molecular Medicine, Mass General Brigham Personalized Medicine).